The following is an entry in ClinVar:

NM_006929.5(SKIC2):c.2165G>C (p.Arg722Pro)

Gene: SKIC2 (SKI2 subunit of superkiller complex; plus strand). Cytogenetic location: 6p21.33.
Variant type: single nucleotide variant.
Coding change: c.2165G>C on transcript NM_006929.5 (MANE Select); coding-DNA position 2165, G replaced by C.
Protein change: p.Arg722Pro; replaces arginine 722 with proline.
Molecular consequence: missense variant.
Genome position (GRCh38, 1-based): chr6:31,965,976, G>C. VCF-style: chr6-31965976-G-C. GRCh37 (hg19) VCF-style: chr6-31933753-G-C.
Other names: short protein forms R722P.
Identifiers: ClinVar variation 1503203 (VCV001503203.5), dbSNP rs768031925, ClinGen allele CA3729696.
Genomic context (GRCh38, chr6:31,965,976, plus strand): 5'-GCCGGGCAGGGCGGAGGGGCCTGGACCCCACAGGCACCGTTATCCTGCTCTGCAAGGGCC[G>C]AGTGCCCGAGATGGCAGACCTGCACCGCATGATGATGGTGAGCGGGCCAGCATGCTCGGC-3'
Protein context (NP_008860.4, residues 712-732): TGTVILLCKG[Arg722Pro]VPEMADLHRM

ClinVar aggregate classification (germline): Uncertain significance (1 of 4 stars; one submission).

gnomAD v4.1: 6 of 1,609,094 alleles (0.00037%); highest among the groups gnomAD compares: Admixed American, 0.0084%; 1 homozygote.

Submission:

Labcorp Genetics (formerly Invitae), Labcorp
Classification: Uncertain significance. Last evaluated: 2022-06-03. Review status: criteria provided, single submitter. Criteria: Invitae Variant Classification Sherloc (09022015). Collection method: clinical testing. Allele origin: germline.
Comment: This sequence change replaces arginine, which is basic and polar, with proline, which is neutral and non-polar, at codon 722 of the SKIV2L protein (p.Arg722Pro). This variant is present in population databases (rs768031925, gnomAD 0.01%). This variant has not been reported in the literature in individuals affected with SKIV2L-related conditions. ClinVar contains an entry for this variant (Variation ID: 1503203). Algorithms developed to predict the effect of missense changes on protein structure and function (SIFT, PolyPhen-2, Align-GVGD) all suggest that this variant is likely to be tolerated. In summary, the available evidence is currently insufficient to determine the role of this variant in disease. Therefore, it has been classified as a Variant of Uncertain Significance.